The following is an entry in ClinVar:

ClinVar aggregate classification (germline): Uncertain significance (1 of 4 stars; one submission).

Conditions:
Progressive sclerosing poliodystrophy (MTDPS4A). Also called: ALPERS PROGRESSIVE INFANTILE POLIODYSTROPHY; NEURONAL DEGENERATION OF CHILDHOOD WITH LIVER DISEASE, PROGRESSIVE; Alpers Syndrome; ALPERS DIFFUSE DEGENERATION OF CEREBRAL GRAY MATTER WITH HEPATIC CIRRHOSIS; Alpers-Huttenlocher Syndrome; Mitochondrial DNA depletion syndrome 4A (Alpers type). Identifiers: Orphanet 726, MedGen C0205710, MONDO:0008758, OMIM 203700.

Submission:

Labcorp Genetics (formerly Invitae), Labcorp
Classification: Uncertain significance for Progressive sclerosing poliodystrophy. Last evaluated: 2024-02-09. Review status: criteria provided, single submitter. Criteria: Invitae Variant Classification Sherloc (09022015). Collection method: clinical testing. Allele origin: germline.
Comment: This sequence change replaces glycine, which is neutral and non-polar, with arginine, which is basic and polar, at codon 365 of the POLG protein (p.Gly365Arg). This variant is present in population databases (no rsID available, gnomAD 0.01%). This variant has not been reported in the literature in individuals affected with POLG-related conditions. Advanced modeling of protein sequence and biophysical properties (such as structural, functional, and spatial information, amino acid conservation, physicochemical variation, residue mobility, and thermodynamic stability) performed at Invitae indicates that this missense variant is expected to disrupt POLG protein function with a positive predictive value of 95%. In summary, the available evidence is currently insufficient to determine the role of this variant in disease. Therefore, it has been classified as a Variant of Uncertain Significance.

NM_002693.3(POLG):c.1093G>A (p.Gly365Arg)

Gene: POLG (DNA polymerase gamma, catalytic subunit; minus strand). Cytogenetic location: 15q26.1.
Variant type: single nucleotide variant.
Coding change: c.1093G>A on transcript NM_002693.3 (MANE Select); coding-DNA position 1093, G replaced by A.
Protein change: p.Gly365Arg; replaces glycine 365 with arginine.
Molecular consequence: missense variant.
Genome position (GRCh38, 1-based): chr15:89,328,762, C>T on the plus strand (G>A on the coding strand, the complement: POLG is on the minus strand). VCF-style: chr15-89328762-C-T. GRCh37 (hg19) VCF-style: chr15-89871993-C-T.
Other names: c.1093G>A, p.Gly365Arg (NM_001126131.2); short protein forms G365R.
Identifiers: ClinVar variation 3693920 (VCV003693920.2).